The following is an entry in ClinVar:

ClinVar aggregate classification (germline): Uncertain significance (1 of 4 stars; one submission).

Conditions:
Hereditary cancer-predisposing syndrome. Also called: Tumor predisposition; Hereditary neoplastic syndrome; Hereditary Cancer Syndrome; Neoplastic Syndromes, Hereditary. Identifiers: Orphanet 140162, MedGen C0027672, MeSH D009386, MONDO:0015356.

Submission:

Color Diagnostics, LLC DBA Color Health
Classification: Uncertain significance for Hereditary cancer-predisposing syndrome. Last evaluated: 2020-06-29. Review status: criteria provided, single submitter. Criteria: ACMG Guidelines, 2015. Collection method: clinical testing. Allele origin: germline.
Comment: This missense variant replaces aspartic acid with alanine at codon 191 of the BRCA2 protein. Computational prediction suggests that this variant may not impact protein structure and function (internally defined REVEL score threshold <= 0.5, PMID: 27666373). To our knowledge, functional studies have not been reported for this variant. This variant has not been reported in individuals affected with hereditary cancer in the literature. This variant has not been identified in the general population by the Genome Aggregation Database (gnomAD). The available evidence is insufficient to determine the role of this variant in disease conclusively. Therefore, this variant is classified as a Variant of Uncertain Significance.

NM_000059.4(BRCA2):c.572A>C (p.Asp191Ala)

Gene: BRCA2 (BRCA2 DNA repair associated; plus strand). Cytogenetic location: 13q13.1.
Variant type: single nucleotide variant.
Coding change: c.572A>C on transcript NM_000059.4 (MANE Select); coding-DNA position 572, A replaced by C.
Protein change: p.Asp191Ala; replaces aspartic acid 191 with alanine.
Molecular consequence: missense variant.
Genome position (GRCh38, 1-based): chr13:32,326,554, A>C. VCF-style: chr13-32326554-A-C. GRCh37 (hg19) VCF-style: chr13-32900691-A-C.
Other names: short protein forms D191A.
Identifiers: ClinVar variation 1171461 (VCV001171461.2), dbSNP rs397507798, ClinGen allele CA387757993.